The following is an entry in ClinVar:

NM_000093.5(COL5A1):c.5303G>A (p.Gly1768Asp)

Genes: COL5A1 (collagen type V alpha 1 chain; plus strand), LOC101448202 (uncharacterized LOC101448202; minus strand). Cytogenetic location: 9q34.3.
Variant type: single nucleotide variant.
Coding change: c.5303G>A on transcript NM_000093.5 (MANE Select); coding-DNA position 5303, G replaced by A.
Protein change: p.Gly1768Asp; replaces glycine 1768 with aspartic acid.
Molecular consequence: missense variant.
Genome position (GRCh38, 1-based): chr9:134,835,137, G>A. VCF-style: chr9-134835137-G-A. GRCh37 (hg19) VCF-style: chr9-137726983-G-A.
Other names: c.5303G>A, p.Gly1768Asp (NM_001278074.1); short protein forms G1768D.
Identifiers: ClinVar variation 660025 (VCV000660025.10), dbSNP rs1588615582, ClinGen allele CA375460787.
Genomic context (GRCh38, chr9:134,835,137, plus strand): 5'-AGTCAGTGGCCTGGCAGGACGCAGCCACGGGCAGCTACGACAAGGCCCTCCGCTTCCTGG[G>A]CTCCAACGACGAGGAGATGTCCTATGACAACAACCCCTACATCCGCGCCCTGGTGGACGG-3'
Protein context (NP_000084.3, residues 1758-1778): GSYDKALRFL[Gly1768Asp]SNDEEMSYDN

ClinVar aggregate classification (germline): Uncertain significance (1 of 4 stars; one submission).

Conditions:
Ehlers-Danlos syndrome, classic type, 1 (EDSCL1). Also called: EDS I; EHLERS-DANLOS SYNDROME, GRAVIS TYPE; EHLERS-DANLOS SYNDROME, SEVERE CLASSIC TYPE; Ehlers-Danlos Syndrome, Classic Type, COL5A1-Related; Ehlers-Danlos syndrome, type 1. Identifiers: MedGen C0268335, MONDO:0019567, OMIM 130000.

Submission:

Labcorp Genetics (formerly Invitae), Labcorp
Classification: Uncertain significance for Ehlers-Danlos syndrome, classic type, 1. Last evaluated: 2018-10-14. Review status: criteria provided, single submitter. Criteria: Invitae Variant Classification Sherloc (09022015). Collection method: clinical testing. Allele origin: germline.
Comment: In summary, the available evidence is currently insufficient to determine the role of this variant in disease. Therefore, it has been classified as a Variant of Uncertain Significance. Algorithms developed to predict the effect of missense changes on protein structure and function are either unavailable or do not agree on the potential impact of this missense change (SIFT: "Deleterious"; PolyPhen-2: "Not Available"; Align-GVGD: "Class C0"). This variant has not been reported in the literature in individuals with COL5A1-related disease. This variant is not present in population databases (ExAC no frequency). This sequence change replaces glycine with aspartic acid at codon 1768 of the COL5A1 protein (p.Gly1768Asp). The glycine residue is moderately conserved and there is a moderate physicochemical difference between glycine and aspartic acid.